The following is an entry in ClinVar:

ClinVar aggregate classification (germline): Uncertain significance (1 of 4 stars; one submission).

Conditions:
Crigler-Najjar syndrome type 1. Also called: HYPERBILIRUBINEMIA, CRIGLER-NAJJAR TYPE I. Identifiers: Orphanet 79234, MedGen C0010324, MONDO:0021020, OMIM 218800.

gnomAD v4.1: 1 of 1,614,156 alleles (0.000062%); highest among the groups gnomAD compares: South Asian, 0.0011%; no homozygotes.

Submission:

Neuberg Centre For Genomic Medicine, NCGM
Classification: Uncertain significance for Crigler-Najjar syndrome type 1. Last evaluated: 2023-05-20. Review status: criteria provided, single submitter. Criteria: ACMG Guidelines, 2015. Collection method: clinical testing. Allele origin: germline. Inheritance: Autosomal recessive inheritance. Affected: yes.
Comment: The missense variant c.1243G>T(p.Val415Phe) in the UGT1A1 gene has not been reported previously as a pathogenic variant nor as a benign variant, to our knowledge. This variant is absent in the gnomAD Exomes. The amino acid Valine at position 415 is changed to a Phenylalanine changing protein sequence and it might alter its composition and physico-chemical properties. Computational evidence (Polyphen, SIFT and MutationTaster) predicts conflicting evidence on protein structure and function for this variant. The amino acid change p.Val415Phe in UGT1A1 is predicted as conserved by GERP++ and PhyloP across 100 vertebrates. For these reasons, this variant has been classified as Uncertain Significance.

NM_000463.3(UGT1A1):c.1243G>T (p.Val415Phe)

Genes: UGT1A10 (UDP glucuronosyltransferase family 1 member A10; plus strand), UGT1A6 (UDP glucuronosyltransferase family 1 member A6; plus strand), UGT1A8 (UDP glucuronosyltransferase family 1 member A8; plus strand), UGT1A7 (UDP glucuronosyltransferase family 1 member A7; plus strand), UGT1A4 (UDP glucuronosyltransferase family 1 member A4; plus strand) and 5 more. Cytogenetic location: 2q37.1.
Variant type: single nucleotide variant.
Coding change: c.1243G>T on transcript NM_000463.3 (MANE Select); coding-DNA position 1243, G replaced by T.
Protein change: p.Val415Phe; replaces valine 415 with phenylalanine.
Molecular consequence: missense variant.
Genome position (GRCh38, 1-based): chr2:233,768,378, G>T. VCF-style: chr2-233768378-G-T. GRCh37 (hg19) VCF-style: chr2-234677024-G-T.
Other names: c.1234G>T, p.Val412Phe (NM_019075.4, NM_019076.5, NM_019077.3 and 1 more transcripts); c.1240G>T, p.Val414Phe (NM_001072.4); c.439G>T, p.Val147Phe (NM_205862.3); c.1246G>T, p.Val416Phe (NM_019078.2, NM_007120.3, NM_019093.4); short protein forms V147F, V412F, V414F, V415F, V416F.
Identifiers: ClinVar variation 3362357 (VCV003362357.4).
Genomic context (GRCh38, chr2:233,768,378, plus strand): 5'-GGTGATCAGATGGACAATGCAAAGCGCATGGAGACTAAGGGAGCTGGAGTGACCCTGAAT[G>T]TTCTGGAAATGACTTCTGAAGATTTAGAAAATGCTCTAAAAGCAGTCATCAATGACAAAA-3'
Protein context (NP_000454.1, residues 405-425): ETKGAGVTLN[Val415Phe]LEMTSEDLEN